The following is an entry in ClinVar:

NM_006204.4(PDE6C):c.1482+1del

Gene: PDE6C (phosphodiesterase 6C; plus strand). Cytogenetic location: 10q23.33.
Variant type: Deletion.
Coding change: c.1482+1del on transcript NM_006204.4 (MANE Select); the canonical splice donor site of the intron after coding-DNA position 1482, one base deleted (G; older notation c.1482+1delG).
Molecular consequence: splice donor variant.
Genome position (GRCh38, 1-based): chr10:93,637,064, G deleted; the last of 2 consecutive G bases (chr10:93,637,063-93,637,064); deleting either gives the same sequence. VCF-style (leftmost placement, unchanged base first): chr10-93637062-TG-T. GRCh37 (hg19) VCF-style: chr10-95396819-TG-T.
Identifiers: ClinVar variation 1920033 (VCV001920033.5), dbSNP rs1195882977, ClinGen allele CA595281789.

ClinVar aggregate classification (germline): Pathogenic (1 of 4 stars; one submission).

Submission:

Labcorp Genetics (formerly Invitae), Labcorp
Classification: Pathogenic. Last evaluated: 2023-05-09. Review status: criteria provided, single submitter. Criteria: Invitae Variant Classification Sherloc (09022015). Collection method: clinical testing. Allele origin: germline.
Comment: This variant is present in population databases (no rsID available, gnomAD 0.003%). This sequence change creates a premature translational stop signal (Splice site) in the PDE6C gene. It is expected to result in an absent or disrupted protein product. Loss-of-function variants in PDE6C are known to be pathogenic (PMID: 19887631, 23776498, 26103963, 30080950). This variant has not been reported in the literature in individuals affected with PDE6C-related conditions. ClinVar contains an entry for this variant (Variation ID: 1920033). Algorithms developed to predict the effect of sequence changes on RNA splicing suggest that this variant may disrupt the consensus splice site. For these reasons, this variant has been classified as Pathogenic.

Literature cited by the submitters: PubMed 19887631; PubMed 23776498; PubMed 26103963; PubMed 30080950.